The following is an entry in ClinVar:

ClinVar aggregate classification (germline): Uncertain significance (1 of 4 stars; one submission).

gnomAD v4.1: 5 of 1,595,354 alleles (0.00031%); highest among the groups gnomAD compares: African/African-American, 0.004%; no homozygotes.

Submission:

GeneDx
Classification: Uncertain significance. Last evaluated: 2023-11-01. Review status: criteria provided, single submitter. Criteria: GeneDx Variant Classification Process June 2021. Collection method: clinical testing. Allele origin: germline. Affected: yes.
Comment: Not observed at significant frequency in large population cohorts (gnomAD); In silico analysis supports that this missense variant has a deleterious effect on protein structure/function; Has not been previously published as pathogenic or benign to our knowledge

NM_018979.4(WNK1):c.410C>T (p.Pro137Leu)

Gene: WNK1 (WNK lysine deficient protein kinase 1; plus strand). Cytogenetic location: 12p13.33.
Variant type: single nucleotide variant.
Coding change: c.410C>T on transcript NM_018979.4 (MANE Select); coding-DNA position 410, C replaced by T.
Protein change: p.Pro137Leu; replaces proline 137 with leucine.
Molecular consequence: missense variant.
Genome position (GRCh38, 1-based): chr12:753,975, C>T. VCF-style: chr12-753975-C-T. GRCh37 (hg19) VCF-style: chr12-863141-C-T.
Other names: c.410C>T, p.Pro137Leu (NM_001184985.2, NM_014823.3, NM_213655.5); short protein forms P137L.
Identifiers: ClinVar variation 3363411 (VCV003363411.1).